The following is an entry in ClinVar:

ClinVar aggregate classification (germline): Uncertain significance. Review status: criteria provided, multiple submitters, no conflicts (2 of 4 stars). 2 submissions from 2 submitters: Uncertain significance (2). Last evaluated 2025-06-03.

Conditions:
Inborn genetic diseases. Identifiers: MedGen C0950123, MeSH D030342.
Congenital disorder of glycosylation type 1E (CDG1E). Also called: CDG Ie; CONGENITAL DISORDER OF GLYCOSYLATION, TYPE Ie. Identifiers: Orphanet 79322, MedGen C1837396, MONDO:0012123, OMIM 608799.

Submissions (2):

Ambry Genetics
Classification: Uncertain significance for Inborn genetic diseases. Last evaluated: 2025-06-03. Review status: criteria provided, single submitter. Criteria: Ambry Variant Classification Scheme 2023. Collection method: clinical testing. Allele origin: germline.

Labcorp Genetics (formerly Invitae), Labcorp
Classification: Uncertain significance for Congenital disorder of glycosylation type 1E. Last evaluated: 2022-10-24. Review status: criteria provided, single submitter. Criteria: Invitae Variant Classification Sherloc (09022015). Collection method: clinical testing. Allele origin: germline.
Comment: In summary, the available evidence is currently insufficient to determine the role of this variant in disease. Therefore, it has been classified as a Variant of Uncertain Significance. This sequence change replaces valine, which is neutral and non-polar, with methionine, which is neutral and non-polar, at codon 48 of the DPM1 protein (p.Val48Met). This variant is not present in population databases (gnomAD no frequency). This variant has not been reported in the literature in individuals affected with DPM1-related conditions. ClinVar contains an entry for this variant (Variation ID: 1352622). Algorithms developed to predict the effect of missense changes on protein structure and function (SIFT, PolyPhen-2, Align-GVGD) all suggest that this variant is likely to be tolerated.

NM_003859.3(DPM1):c.142G>A (p.Val48Met)

Genes: DPM1 (dolichyl-phosphate mannosyltransferase subunit 1, catalytic; minus strand), LOC130066166 (ATAC-STARR-seq lymphoblastoid active region 18108; plus strand). Cytogenetic location: 20q13.13.
Variant type: single nucleotide variant.
Coding change: c.142G>A on transcript NM_003859.3 (MANE Select); coding-DNA position 142, G replaced by A.
Protein change: p.Val48Met; replaces valine 48 with methionine.
Molecular consequence: missense variant. On other transcripts: non-coding transcript variant (1).
Genome position (GRCh38, 1-based): chr20:50,958,382, C>T on the plus strand (G>A on the coding strand, the complement: DPM1 is on the minus strand). VCF-style: chr20-50958382-C-T. GRCh37 (hg19) VCF-style: chr20-49574919-C-T.
Other names: c.142G>A (NM_003859.1); c.142G>A, p.Val48Met (NM_001317034.1, NM_001317035.1, NM_001317036.1); short protein forms V48M.
Identifiers: ClinVar variation 1352622 (VCV001352622.9), dbSNP rs776470942, ClinGen allele CA408980635.